The following is an entry in ClinVar:

NM_000455.5(STK11):c.426_427del (p.Val143fs)

Gene: STK11 (serine/threonine kinase 11; plus strand). Cytogenetic location: 19p13.3.
Variant type: Deletion.
Coding change: c.426_427del on transcript NM_000455.5 (MANE Select); coding-DNA positions 426 to 427, 2 bases deleted (CG; older notation c.426_427delCG).
Protein change: p.Val143fs; shifts the reading frame from valine 143.
Molecular consequence: frameshift variant. On other transcripts: non-coding transcript variant (1).
Genome position (GRCh38, 1-based): chr19:1,219,375-1,219,376, CG deleted; deleting any 2 consecutive bases within chr19:1,219,374-1,219,376 gives the same sequence; the c. name uses the placement nearest the transcript's 3' end. VCF-style (leftmost placement, unchanged base first): chr19-1219373-AGC-A. GRCh37 (hg19) VCF-style: chr19-1219372-AGC-A.
Other names: c.426_427del, p.Val143fs (NM_001407255.1); short protein forms V143fs.
Identifiers: ClinVar variation 3650309 (VCV003650309.2).

ClinVar aggregate classification (germline): Pathogenic (1 of 4 stars; one submission).

Conditions:
Peutz-Jeghers syndrome (PJS). Also called: POLYPOSIS, HAMARTOMATOUS INTESTINAL; POLYPS-AND-SPOTS SYNDROME; Peutz-Jeghers polyposis; Periorificial lentiginosis syndrome. Identifiers: Orphanet 2869, MedGen C0031269, MeSH D010580, MONDO:0008280, OMIM 175200.

Submission:

Labcorp Genetics (formerly Invitae), Labcorp
Classification: Pathogenic for Peutz-Jeghers syndrome. Last evaluated: 2024-04-18. Review status: criteria provided, single submitter. Criteria: Invitae Variant Classification Sherloc (09022015). Collection method: clinical testing. Allele origin: germline.
Comment: This sequence change creates a premature translational stop signal (p.Val143Alafs*19) in the STK11 gene. It is expected to result in an absent or disrupted protein product. Loss-of-function variants in STK11 are known to be pathogenic (PMID: 15188174, 16287113). This variant is not present in population databases (gnomAD no frequency). This variant has not been reported in the literature in individuals affected with STK11-related conditions. Algorithms developed to predict the effect of sequence changes on RNA splicing suggest that this variant may disrupt the consensus splice site. For these reasons, this variant has been classified as Pathogenic.

Literature cited by the submitters: PubMed 15188174; PubMed 16287113.